The following is an entry in ClinVar:

ClinVar aggregate classification (germline): Likely benign (1 of 4 stars; one submission).

Conditions:
Hereditary retinoblastoma. Identifiers: Orphanet 357027, MedGen C0751483, MONDO:0018160.

gnomAD v4.1: 658 of 1,378,376 alleles (0.048%); highest among the groups gnomAD compares: African/African-American, 0.87%; 3 homozygotes.

Submission:

Ramesar Group, Division of Human Genetics, Institute of Infectious Diseases and Molecular Medicine, UCT/MRC Genomic and Precision Medicine Research Unit, University of Cape Town
Classification: Likely benign for Hereditary retinoblastoma. Last evaluated: 2025-09-17. Review status: criteria provided, single submitter. Criteria: ACMG Guidelines, 2015. Collection method: research. Allele origin: germline. Affected: no.
Comment: BP5 - Variant found in a patient with a different retinal disease; RB1 is not associated with the phenotype BP7 - A non-coding variant with no predicted effect on splicing (SpliceAI scores are negligible)

NM_000321.3(RB1):c.1499-117T>C

Gene: RB1 (RB transcriptional corepressor 1; plus strand). Cytogenetic location: 13q14.2.
Variant type: single nucleotide variant.
Coding change: c.1499-117T>C on transcript NM_000321.3 (MANE Select); 117 bases into the intron before coding-DNA position 1499, T replaced by C.
Molecular consequence: intron variant.
Genome position (GRCh38, 1-based): chr13:48,381,130, T>C. VCF-style: chr13-48381130-T-C. GRCh37 (hg19) VCF-style: chr13-48955266-T-C.
Other names: c.1499-117T>C (NM_001407165.1, NM_001407166.1).
Identifiers: ClinVar variation 4759368 (VCV004759368.1), dbSNP rs4151538.